The following is an entry in ClinVar:

NM_018896.5(CACNA1G):c.5664C>G (p.Ser1888Arg)

Gene: CACNA1G (calcium voltage-gated channel subunit alpha1 G; plus strand). Cytogenetic location: 17q21.33.
Variant type: single nucleotide variant.
Coding change: c.5664C>G on transcript NM_018896.5 (MANE Select); coding-DNA position 5664, C replaced by G.
Protein change: p.Ser1888Arg; replaces serine 1888 with arginine.
Molecular consequence: missense variant. On other transcripts: non-coding transcript variant (5).
Genome position (GRCh38, 1-based): chr17:50,618,891, C>G. VCF-style: chr17-50618891-C-G. GRCh37 (hg19) VCF-style: chr17-48696252-C-G.
Other names: c.5610C>G, p.Ser1870Arg (NM_001256324.2, NM_198386.3); c.5685C>G, p.Ser1895Arg (NM_001256325.2); c.5529C>G, p.Ser1843Arg (NM_001256326.2, NM_001256330.2); c.5643C>G, p.Ser1881Arg (NM_001256327.2); c.5589C>G, p.Ser1863Arg (NM_001256328.2); c.5562C>G, p.Ser1854Arg (NM_001256329.2, NM_198376.3, NM_198379.3 and 2 more transcripts); c.5508C>G, p.Ser1836Arg (NM_001256331.2); c.5493C>G, p.Ser1831Arg (NM_001256332.2); and 7 more; short protein forms S1831R, S1836R, S1843R, S1852R, S1877R, S1854R, S1863R, S1865R.
Identifiers: ClinVar variation 2822584 (VCV002822584.3), dbSNP rs762525130, ClinGen allele CA400266128.

ClinVar aggregate classification (germline): Uncertain significance (1 of 4 stars; one submission).

Submission:

Labcorp Genetics (formerly Invitae), Labcorp
Classification: Uncertain significance. Last evaluated: 2022-12-23. Review status: criteria provided, single submitter. Criteria: Invitae Variant Classification Sherloc (09022015). Collection method: clinical testing. Allele origin: germline.
Comment: In summary, the available evidence is currently insufficient to determine the role of this variant in disease. Therefore, it has been classified as a Variant of Uncertain Significance. Advanced modeling of protein sequence and biophysical properties (such as structural, functional, and spatial information, amino acid conservation, physicochemical variation, residue mobility, and thermodynamic stability) performed at Invitae indicates that this missense variant is not expected to disrupt CACNA1G protein function. This variant has not been reported in the literature in individuals affected with CACNA1G-related conditions. This variant is not present in population databases (gnomAD no frequency). This sequence change replaces serine, which is neutral and polar, with arginine, which is basic and polar, at codon 1888 of the CACNA1G protein (p.Ser1888Arg).